The following is an entry in ClinVar:

NM_000334.4(SCN4A):c.2122G>C (p.Ala708Pro)

Genes: GH-LCR (growth hormone locus control region; plus strand), SCN4A (sodium voltage-gated channel alpha subunit 4; minus strand). Cytogenetic location: 17q23.3.
Variant type: single nucleotide variant.
Coding change: c.2122G>C on transcript NM_000334.4 (MANE Select); coding-DNA position 2122, G replaced by C.
Protein change: p.Ala708Pro; replaces alanine 708 with proline.
Molecular consequence: missense variant.
Genome position (GRCh38, 1-based): chr17:63,957,416, C>G on the plus strand (G>C on the coding strand, the complement: SCN4A is on the minus strand). VCF-style: chr17-63957416-C-G. GRCh37 (hg19) VCF-style: chr17-62034776-C-G.
Other names: short protein forms A708P.
Identifiers: ClinVar variation 842387 (VCV000842387.10), dbSNP rs1909104833, ClinGen allele CA400631076.

ClinVar aggregate classification (germline): Uncertain significance (1 of 4 stars; one submission).

Conditions:
Hyperkalemic periodic paralysis. Also called: Familial hyperkalemic periodic paralysis; Gamstorp disease. Identifiers: Orphanet 682, MedGen C0238357, MONDO:0008224, OMIM 170500, HP:0007215.

Submission:

Labcorp Genetics (formerly Invitae), Labcorp
Classification: Uncertain significance for Hyperkalemic periodic paralysis. Last evaluated: 2022-09-30. Review status: criteria provided, single submitter. Criteria: Invitae Variant Classification Sherloc (09022015). Collection method: clinical testing. Allele origin: germline.
Comment: In summary, the available evidence is currently insufficient to determine the role of this variant in disease. Therefore, it has been classified as a Variant of Uncertain Significance. Advanced modeling of protein sequence and biophysical properties (such as structural, functional, and spatial information, amino acid conservation, physicochemical variation, residue mobility, and thermodynamic stability) performed at Invitae indicates that this missense variant is expected to disrupt SCN4A protein function. ClinVar contains an entry for this variant (Variation ID: 842387). This missense change has been observed in individual(s) with clinical features of SCN4A-related conditions (Invitae). This variant is not present in population databases (gnomAD no frequency). This sequence change replaces alanine, which is neutral and non-polar, with proline, which is neutral and non-polar, at codon 708 of the SCN4A protein (p.Ala708Pro).